The following is an entry in ClinVar:

NM_024312.5(GNPTAB):c.879A>G (p.Lys293=)

Gene: GNPTAB (N-acetylglucosamine-1-phosphate transferase subunits alpha and beta; minus strand). Cytogenetic location: 12q23.2.
Variant type: single nucleotide variant.
Coding change: c.879A>G on transcript NM_024312.5 (MANE Select); coding-DNA position 879, A replaced by G.
Protein change: p.Lys293=; no amino-acid change (lysine 293 retained).
Molecular consequence: synonymous variant.
Genome position (GRCh38, 1-based): chr12:101,771,050, T>C on the plus strand (A>G on the coding strand, the complement: GNPTAB is on the minus strand). VCF-style: chr12-101771050-T-C. GRCh37 (hg19) VCF-style: chr12-102164828-T-C.
Identifiers: ClinVar variation 1671904 (VCV001671904.26), dbSNP rs938200881, ClinGen allele CA242462913.

ClinVar aggregate classification (germline): Likely benign. Review status: criteria provided, multiple submitters, no conflicts (2 of 4 stars). 2 submissions from 2 submitters: Likely benign (2). Last evaluated 2024-07-01.

Conditions:
Mucolipidosis type II. Also called: Mucolipidosis 2; ML 2; Inclusion cell disease; Leroy Disease; N-acetylglucosamine 1phosphotransferase deficiency; ML disorder type 2. Identifiers: Orphanet 576, MedGen C2673377, MONDO:0009650, OMIM 252500.
Pseudo-Hurler polydystrophy. Also called: Mucolipidosis III Alpha/Beta; ML III; ML III ALPHA/BETA; ML IIIA; MUCOLIPIDOSIS IIIA; Type III Mucolipidosis. Identifiers: Orphanet 423461, Orphanet 577, MedGen C0033788, MONDO:0018931, OMIM 252600.

Submissions (2):

CeGaT Center for Human Genetics Tuebingen
Classification: Likely benign. Last evaluated: 2024-07-01. Review status: criteria provided, single submitter. Criteria: CeGaT Center For Human Genetics Tuebingen Variant Classification Criteria Version 2. Collection method: clinical testing. Allele origin: germline. Affected: yes. Observed: 1 variant allele.
Comment: GNPTAB: PM2:Supporting, BP4, BP7

Labcorp Genetics (formerly Invitae), Labcorp
Classification: Likely benign for Pseudo-Hurler polydystrophy; Mucolipidosis type II. Last evaluated: 2023-12-02. Review status: criteria provided, single submitter. Criteria: Invitae Variant Classification Sherloc (09022015). Collection method: clinical testing. Allele origin: germline.